The following is an entry in ClinVar:

ClinVar aggregate classification (germline): Pathogenic (1 of 4 stars; one submission).

Submission:

Labcorp Genetics (formerly Invitae), Labcorp
Classification: Pathogenic. Last evaluated: 2023-02-01. Review status: criteria provided, single submitter. Criteria: Invitae Variant Classification Sherloc (09022015). Collection method: clinical testing. Allele origin: germline.
Comment: For these reasons, this variant has been classified as Pathogenic. This variant has not been reported in the literature in individuals affected with FRAS1-related conditions. This variant is not present in population databases (gnomAD no frequency). This sequence change creates a premature translational stop signal (p.Tyr2453*) in the FRAS1 gene. It is expected to result in an absent or disrupted protein product. Loss-of-function variants in FRAS1 are known to be pathogenic (PMID: 12766769, 18671281).

Literature cited by the submitters: PubMed 12766769; PubMed 18671281.

NM_025074.7(FRAS1):c.7359C>G (p.Tyr2453Ter)

Gene: FRAS1 (Fraser extracellular matrix complex subunit 1; plus strand). Cytogenetic location: 4q21.21.
Variant type: single nucleotide variant.
Coding change: c.7359C>G on transcript NM_025074.7 (MANE Select); coding-DNA position 7359, C replaced by G.
Protein change: p.Tyr2453Ter; replaces tyrosine 2453 with a stop codon.
Molecular consequence: nonsense.
Genome position (GRCh38, 1-based): chr4:78,470,079, C>G. VCF-style: chr4-78470079-C-G. GRCh37 (hg19) VCF-style: chr4-79391233-C-G.
Other names: short protein forms Y2453*.
Identifiers: ClinVar variation 2833417 (VCV002833417.3), dbSNP rs2477286915, ClinGen allele CA357405478.
Genomic context (GRCh38, chr4:78,470,079, plus strand): 5'-CCCGGTAGATGATGGCACGCCTAGAATTGTCACCAACCTGGGACTCCAGTGGCTGGAATA[C>G]ATGGATGGCAAGGTAAGGCCTGTCCCTCTGTCATGTTCACACCACCCAACTTGGGCTACA-3'